The following is an entry in ClinVar:

NM_001064.4(TKT):c.1064_1086del (p.His355fs)

Gene: TKT (transketolase; minus strand). Cytogenetic location: 3p21.1.
Variant type: Deletion.
Coding change: c.1064_1086del on transcript NM_001064.4 (MANE Select); coding-DNA positions 1064 to 1086, 23 bases deleted (ACCCGGACCGCTTCATCGAGTGC).
Protein change: p.His355fs; shifts the reading frame from histidine 355.
Molecular consequence: frameshift variant. On other transcripts: non-coding transcript variant (1).
Genome position (GRCh38, 1-based): chr3:53,230,478-53,230,500, GCACTCGATGAAGCGGTCCGGGT deleted on the plus strand (ACCCGGACCGCTTCATCGAGTGC on the coding strand, the reverse complement: TKT is on the minus strand); deleting any 23 consecutive bases within chr3:53,230,478-53,230,502 gives the same sequence; the c. name uses the placement nearest the transcript's 3' end. VCF-style (leftmost placement, unchanged base first): chr3-53230477-AGCACTCGATGAAGCGGTCCGGGT-A. GRCh37 (hg19) VCF-style: chr3-53264493-AGCACTCGATGAAGCGGTCCGGGT-A.
Other names: c.1064_1086del, p.His355fs (NM_001135055.3); c.1088_1110del, p.His363fs (NM_001258028.2); short protein forms H355fs, H363fs.
Identifiers: ClinVar variation 5019045 (VCV005019045.2).

ClinVar aggregate classification (germline): Likely pathogenic (1 of 4 stars; one submission).

Conditions:
Transketolase deficiency. Also called: Short stature, developmental delay, and congenital heart defects. Identifiers: Orphanet 488618, MedGen C5700245, MONDO:0014881, OMIM 617044.

Submission:

Juno Genomics, Hangzhou Juno Genomics, Inc
Classification: Likely pathogenic for Transketolase deficiency. Review status: criteria provided, single submitter. Criteria: ACMG Guidelines, 2015. Collection method: clinical testing. Allele origin: germline.
Comment: Absent from controls (or at extremely low frequency if recessive) in Genome Aggregation Database.;Null variant in a gene where loss of function (LOF) is a known mechanism of disease.